The following is an entry in ClinVar:

ClinVar aggregate classification (germline): Uncertain significance (1 of 4 stars; one submission).

Conditions:
Autosomal dominant nocturnal frontal lobe epilepsy 5. Also called: CILIARY DYSKINESIA, PRIMARY, 28, WITHOUT SITUS INVERSUS; CILIARY DYSKINESIA, PRIMARY, 28, WITH SITUS INVERSUS; KCNT1-Related Epilepsy; Epilepsy, nocturnal frontal lobe, 5. Identifiers: Orphanet 98784, MedGen C3554306, MONDO:0014002, OMIM 615005.
Developmental and epileptic encephalopathy, 14 (DEE14). Also called: Early infantile epileptic encephalopathy 14. Identifiers: Orphanet 293181, MedGen C3554195, MONDO:0013989, OMIM 614959.

gnomAD v4.1: 1 of 1,613,154 alleles (0.000062%); highest among the groups gnomAD compares: Non-Finnish European, 0.000085%; no homozygotes.

Submission:

Labcorp Genetics (formerly Invitae), Labcorp
Classification: Uncertain significance for Autosomal dominant nocturnal frontal lobe epilepsy 5; Developmental and epileptic encephalopathy, 14. Last evaluated: 2025-12-08. Review status: criteria provided, single submitter. Criteria: Invitae Variant Classification Sherloc (09022015). Collection method: clinical testing. Allele origin: germline.
Comment: This sequence change replaces lysine, which is basic and polar, with glutamic acid, which is acidic and polar, at codon 578 of the KCNT1 protein (p.Lys578Glu). This variant is present in population databases (rs758931831, gnomAD 0.0009%). This variant has not been reported in the literature in individuals affected with KCNT1-related conditions. Invitae Evidence Modeling of protein sequence and biophysical properties (such as structural, functional, and spatial information, amino acid conservation, physicochemical variation, residue mobility, and thermodynamic stability) indicates that this missense variant is not expected to disrupt KCNT1 protein function with a negative predictive value of 80%. In summary, the available evidence is currently insufficient to determine the role of this variant in disease. Therefore, it has been classified as a Variant of Uncertain Significance.

NM_020822.3(KCNT1):c.1732A>G (p.Lys578Glu)

Gene: KCNT1 (potassium sodium-activated channel subfamily T member 1; plus strand). Cytogenetic location: 9q34.3.
Variant type: single nucleotide variant.
Coding change: c.1732A>G on transcript NM_020822.3 (MANE Select); coding-DNA position 1732, A replaced by G.
Protein change: p.Lys578Glu; replaces lysine 578 with glutamic acid.
Molecular consequence: missense variant.
Genome position (GRCh38, 1-based): chr9:135,770,410, A>G. VCF-style: chr9-135770410-A-G. GRCh37 (hg19) VCF-style: chr9-138662256-A-G.
Other names: c.1597A>G, p.Lys533Glu (NM_001272003.2); short protein forms K578E, K533E.
Identifiers: ClinVar variation 4782990 (VCV004782990.1).
Genomic context (GRCh38, chr9:135,770,410, plus strand): 5'-GGCAACGAGGTGTACCACATCCGCATGGGTGACAGCAAGTTCTTCCGCGAGTACGAGGGC[A>G]AGAGCTTCACCTACGCGGCCTTCCACGCCCACAAGAAGTAAGGCCGGGCTGCATCCACAG-3'
Protein context (NP_065873.2, residues 568-588): DSKFFREYEG[Lys578Glu]SFTYAAFHAH